The following is an entry in ClinVar:

NM_000188.3(HK1):c.1837G>A (p.Ala613Thr)

Gene: HK1 (hexokinase 1; plus strand). Cytogenetic location: 10q22.1.
Variant type: single nucleotide variant.
Coding change: c.1837G>A on transcript NM_000188.3 (MANE Select); coding-DNA position 1837, G replaced by A.
Protein change: p.Ala613Thr; replaces alanine 613 with threonine.
Molecular consequence: missense variant.
Genome position (GRCh38, 1-based): chr10:69,384,913, G>A. VCF-style: chr10-69384913-G-A. GRCh37 (hg19) VCF-style: chr10-71144669-G-A.
Other names: c.1849G>A, p.Ala617Thr (NM_001322364.2, NM_001358263.1, NM_033497.3 and 1 more transcripts); c.1942G>A, p.Ala648Thr (NM_001322365.2); c.1753G>A, p.Ala585Thr (NM_001322366.1); c.1741G>A, p.Ala581Thr (NM_001322367.1); c.1834G>A, p.Ala612Thr (NM_033496.3); c.1801G>A, p.Ala601Thr (NM_033500.2); short protein forms A581T, A613T, A585T, A617T, A648T, A601T, A612T.
Identifiers: ClinVar variation 2791888 (VCV002791888.3), dbSNP rs774754927, ClinGen allele CA5532690.

ClinVar aggregate classification (germline): Uncertain significance (1 of 4 stars; one submission).

Allele frequency attached by ClinVar (database versions not stated): ExAC 0.00001.

Submission:

Labcorp Genetics (formerly Invitae), Labcorp
Classification: Uncertain significance. Last evaluated: 2025-04-28. Review status: criteria provided, single submitter. Criteria: Invitae Variant Classification Sherloc (09022015). Collection method: clinical testing. Allele origin: germline.
Comment: This sequence change replaces alanine, which is neutral and non-polar, with threonine, which is neutral and polar, at codon 613 of the HK1 protein (p.Ala613Thr). This variant is present in population databases (rs774754927, gnomAD 0.0009%). This variant has not been reported in the literature in individuals affected with HK1-related conditions. ClinVar contains an entry for this variant (Variation ID: 2791888). An algorithm developed to predict the effect of missense changes on protein structure and function (PolyPhen-2) suggests that this variant is likely to be tolerated. In summary, the available evidence is currently insufficient to determine the role of this variant in disease. Therefore, it has been classified as a Variant of Uncertain Significance.